The following is an entry in ClinVar:

ClinVar aggregate classification (germline): Likely benign (1 of 4 stars; one submission).

Submission:

CeGaT Center for Human Genetics Tuebingen
Classification: Likely benign. Last evaluated: 2025-08-01. Review status: criteria provided, single submitter. Criteria: CeGaT Center For Human Genetics Tuebingen Variant Classification Criteria Version 2. Collection method: clinical testing. Allele origin: germline. Affected: yes. Observed: 1 variant allele.
Comment: PTCH1: PM2:Supporting, BP4, BP7

NM_000264.5(PTCH1):c.2079A>C (p.Thr693=)

Genes: PTCH1 (patched 1; minus strand), LOC100507346 (uncharacterized LOC100507346; plus strand). Cytogenetic location: 9q22.32.
Variant type: single nucleotide variant.
Coding change: c.2079A>C on transcript NM_000264.5 (MANE Select); coding-DNA position 2079, A replaced by C.
Protein change: p.Thr693=; no amino-acid change (threonine 693 retained).
Molecular consequence: synonymous variant. On other transcripts: non-coding transcript variant (2).
Genome position (GRCh38, 1-based): chr9:95,468,922, T>G on the plus strand (A>C on the coding strand, the complement: PTCH1 is on the minus strand). VCF-style: chr9-95468922-T-G. GRCh37 (hg19) VCF-style: chr9-98231204-T-G.
Other names: c.1881A>C, p.Thr627= (NM_001083602.3); c.2076A>C, p.Thr692= (NM_001083603.3); c.1626A>C, p.Thr542= (NM_001083604.3, NM_001083605.3, NM_001083606.3 and 1 more transcripts); c.1923A>C, p.Thr641= (NM_001354918.2).
Identifiers: ClinVar variation 4085728 (VCV004085728.8).